The following is an entry in ClinVar:

NM_002490.6(NDUFA6):c.281_284del (p.Ile94fs)

Gene: NDUFA6 (NADH:ubiquinone oxidoreductase subunit A6; minus strand). Cytogenetic location: 22q13.2.
Variant type: Deletion.
Coding change: c.281_284del on transcript NM_002490.6 (MANE Select); coding-DNA positions 281 to 284, 4 bases deleted (TTAA; older notation c.281_284delTTAA).
Protein change: p.Ile94fs; shifts the reading frame from isoleucine 94.
Molecular consequence: frameshift variant.
Genome position (GRCh38, 1-based): chr22:42,086,286-42,086,289, TTAA deleted on the plus strand (TTAA on the coding strand, the reverse complement: NDUFA6 is on the minus strand); deleting any 4 consecutive bases within chr22:42,086,286-42,086,291 gives the same sequence; the c. name uses the placement nearest the transcript's 3' end. VCF-style (leftmost placement, unchanged base first): chr22-42086285-TTTAA-T. GRCh37 (hg19) VCF-style: chr22-42482289-TTTAA-T.
Other names: c.359_362delTTAA (NM_002490.3); short protein forms I94fs.
Identifiers: ClinVar variation 1324784 (VCV001324784.6), dbSNP rs768463498, ClinGen allele CA10264332.
Genomic context (GRCh38, chr22:42,086,285, plus strand): 5'-TGGCCTTGGCGCTTCTGTTTCATGGAAGAACCGCATAACATGTGTCCGCTGCTTCCATAC[TTTAA>T]TTGTTTCTTCCAGTTCGATCTTTCCCTGAACAGTGAGGAGAGAGGTCATCAGTCAAAGTT-3'

ClinVar aggregate classification (germline): Conflicting classifications of pathogenicity. Review status: criteria provided, conflicting classifications (1 of 4 stars). 2 submissions from 2 submitters: Likely pathogenic (1); Uncertain significance (1). Last evaluated 2024-10-24.

Conditions:
Inborn genetic diseases. Identifiers: MedGen C0950123, MeSH D030342.

Submissions (2):

Labcorp Genetics (formerly Invitae), Labcorp
Classification: Uncertain significance. Last evaluated: 2024-10-24. Review status: criteria provided, single submitter. Criteria: Invitae Variant Classification Sherloc (09022015). Collection method: clinical testing. Allele origin: germline.
Comment: This sequence change creates a premature translational stop signal (p.Ile120Lysfs*44) in the NDUFA6 gene. While this is not anticipated to result in nonsense mediated decay, it is expected to disrupt the last 35 amino acid(s) of the NDUFA6 protein. This variant is present in population databases (rs768463498, gnomAD 0.01%). This variant has not been reported in the literature in individuals affected with NDUFA6-related conditions. This variant is also known as c22_42482290: del_TTAA. ClinVar contains an entry for this variant (Variation ID: 1324784). Experimental studies and prediction algorithms are not available or were not evaluated, and the functional significance of this variant is currently unknown. In summary, the available evidence is currently insufficient to determine the role of this variant in disease. Therefore, it has been classified as a Variant of Uncertain Significance.

Ambry Genetics
Classification: Likely pathogenic for Inborn genetic diseases. Last evaluated: 2022-02-18. Review status: criteria provided, single submitter. Criteria: Ambry Variant Classification Scheme 2023. Collection method: clinical testing. Allele origin: germline.
Comment: The c.359_362delTTAA (p.I120Kfs*44) alteration, located in exon 3 (coding exon 3) of the NDUFA6 gene, consists of a deletion of 4 nucleotides from position 359 to 362, causing a translational frameshift with a predicted alternate stop codon after 44 amino acids. This alteration occurs at the 3' terminus of the NDUFA6 gene, is not expected to trigger nonsense-mediated mRNA decay, and impacts the last 22% of the protein. Premature stop codons are typically deleterious in nature and a significant portion of the protein is affected (Ambry internal data). Based on data from gnomAD, this alteration has an overall frequency of 0.01% (20/251474) total alleles studied. The highest observed frequency was 0.01% (5/34592) of Latino alleles. Based on the available evidence, this alteration is classified as likely pathogenic.

Literature cited by the submitters: PubMed 30245030 (cited by Ambry Genetics).